The following is an entry in ClinVar:

ClinVar aggregate classification (germline): Likely pathogenic (1 of 4 stars; one submission).

Conditions:
Familial hemophagocytic lymphohistiocytosis 3 (FHL3). Also called: UNC13D-Related Familial Hemophagocytic Lymphohistiocytosis (UNC13D-fHLH). Identifiers: Orphanet 540, MedGen C1837174, MONDO:0012146, OMIM 608898.

Allele frequency attached by ClinVar (database versions not stated): TOPMed below 0.00001; gnomAD 0.00001.
gnomAD v4.1: 1 of 1,609,434 alleles (0.000062%); highest among the groups gnomAD compares: Non-Finnish European, 0.000085%; no homozygotes.

Submission:

Labcorp Genetics (formerly Invitae), Labcorp
Classification: Likely pathogenic for Familial hemophagocytic lymphohistiocytosis 3. Last evaluated: 2023-09-03. Review status: criteria provided, single submitter. Criteria: Invitae Variant Classification Sherloc (09022015). Collection method: clinical testing. Allele origin: germline.
Comment: This variant is not present in population databases (gnomAD no frequency). This sequence change affects a donor splice site in intron 2 of the UNC13D gene. It is expected to disrupt RNA splicing. Variants that disrupt the donor or acceptor splice site typically lead to a loss of protein function (PMID: 16199547), and loss-of-function variants in UNC13D are known to be pathogenic (PMID: 14622600). In summary, the currently available evidence indicates that the variant is pathogenic, but additional data are needed to prove that conclusively. Therefore, this variant has been classified as Likely Pathogenic. Algorithms developed to predict the effect of sequence changes on RNA splicing suggest that this variant may disrupt the consensus splice site. This variant has not been reported in the literature in individuals affected with UNC13D-related conditions.

Literature cited by the submitters: PubMed 16199547; PubMed 14622600.

NM_199242.3(UNC13D):c.153+1G>A

Gene: UNC13D (unc-13 homolog D; minus strand). Cytogenetic location: 17q25.1.
Variant type: single nucleotide variant.
Coding change: c.153+1G>A on transcript NM_199242.3 (MANE Select); the canonical splice donor site of the intron after coding-DNA position 153, G replaced by A.
Molecular consequence: splice donor variant.
Genome position (GRCh38, 1-based): chr17:75,843,483, C>T on the plus strand (G>A on the coding strand, the complement: UNC13D is on the minus strand). VCF-style: chr17-75843483-C-T. GRCh37 (hg19) VCF-style: chr17-73839564-C-T.
Identifiers: ClinVar variation 2792844 (VCV002792844.3), dbSNP rs1029026260, ClinGen allele CA401117964.